The following is an entry in ClinVar:

NM_001267550.2(TTN):c.62854del (p.Ser20952fs)

Genes: TTN-AS1 (TTN antisense RNA 1; plus strand), TTN (titin; minus strand). Cytogenetic location: 2q31.2.
Variant type: Deletion.
Coding change: c.62854del on transcript NM_001267550.2 (MANE Select); coding-DNA position 62854, one base deleted (A; older notation c.62854delA).
Protein change: p.Ser20952fs; shifts the reading frame from serine 20952.
Molecular consequence: frameshift variant.
Genome position (GRCh38, 1-based): chr2:178,588,871, T deleted on the plus strand (A on the coding strand, the reverse complement: TTN is on the minus strand); the first of 3 consecutive T bases (chr2:178,588,871-178,588,873); deleting any one gives the same sequence. VCF-style (leftmost placement, unchanged base first): chr2-178588870-CT-C. GRCh37 (hg19) VCF-style: chr2-179453597-CT-C.
Other names: c.57931del, p.Ser19311fs (NM_001256850.1); c.35659del, p.Ser11887fs (NM_003319.4); c.55150del, p.Ser18384fs (NM_133378.4); c.36034del, p.Ser12012fs (NM_133432.3); c.36235del, p.Ser12079fs (NM_133437.4); short protein forms S19311fs, S12079fs, S20952fs, S11887fs, S12012fs, S18384fs.
Identifiers: ClinVar variation 1474670 (VCV001474670.6), dbSNP rs2154183406, ClinGen allele CA2573133762.
Genomic context (GRCh38, chr2:178,588,870, plus strand): 5'-ACTTCTGGGGGATCAGGGCGACCAGGTTTATCATACTTGGTTTTGGCTATGACTGGTTTA[CT>C]TTCTGTTGGAGGCCCTGTGCCTATTTTATTTTCTGCACGGACTCTGAAAATATATTCATT-3'

ClinVar aggregate classification (germline): Likely pathogenic (1 of 4 stars; one submission).

Conditions:
Dilated cardiomyopathy 1G (CMD1G). Identifiers: Orphanet 154, MedGen C1858763, MONDO:0011400, OMIM 604145.
Autosomal recessive limb-girdle muscular dystrophy type 2J (LGMDR10). Also called: MUSCULAR DYSTROPHY, LIMB-GIRDLE, AUTOSOMAL RECESSIVE 10; Limb-girdle muscular dystrophy, type 2J. Identifiers: Orphanet 140922, MedGen C1837342, MONDO:0012127, OMIM 608807.

Submission:

Labcorp Genetics (formerly Invitae), Labcorp
Classification: Likely pathogenic for Dilated cardiomyopathy 1G; Autosomal recessive limb-girdle muscular dystrophy type 2J. Last evaluated: 2025-02-05. Review status: criteria provided, single submitter. Criteria: Invitae Variant Classification Sherloc (09022015). Collection method: clinical testing. Allele origin: germline.
Comment: This sequence change creates a premature translational stop signal (p.Ser20952Valfs*5) in the TTN gene. While this is not anticipated to result in nonsense mediated decay, it is expected to create a truncated TTN protein. This variant is not present in population databases (gnomAD no frequency). This variant has not been reported in the literature in individuals affected with TTN-related conditions. ClinVar contains an entry for this variant (Variation ID: 1474670). This variant is located in the A band of TTN (PMID: 25589632). Truncating variants in this region are significantly overrepresented in patients affected with dilated cardiomyopathy (PMID: 25589632). Truncating variants in this region have also been reported in individuals affected with autosomal recessive centronuclear myopathy (PMID: 23975875). In summary, the currently available evidence indicates that the variant is pathogenic, but additional data are needed to prove that conclusively. Therefore, this variant has been classified as Likely Pathogenic.

Literature cited by the submitters: PubMed 25589632; PubMed 23975875.